The following is an entry in ClinVar:

NM_018294.6(CWF19L1):c.1543A>G (p.Lys515Glu)

Genes: CWF19L1 (CWF19 like cell cycle control factor 1; minus strand), CHUK-DT (CHUK divergent transcript; plus strand). Cytogenetic location: 10q24.31.
Variant type: single nucleotide variant.
Coding change: c.1543A>G on transcript NM_018294.6 (MANE Select); coding-DNA position 1543, A replaced by G.
Protein change: p.Lys515Glu; replaces lysine 515 with glutamic acid.
Molecular consequence: missense variant.
Genome position (GRCh38, 1-based): chr10:100,233,301, T>C on the plus strand (A>G on the coding strand, the complement: CWF19L1 is on the minus strand). VCF-style: chr10-100233301-T-C. GRCh37 (hg19) VCF-style: chr10-101993058-T-C.
Other names: c.1423A>G, p.Lys475Glu (NM_001303404.2); c.1132A>G, p.Lys378Glu (NM_001303405.2, NM_001303406.2); c.808A>G, p.Lys270Glu (NM_001303407.2); short protein forms K270E, K378E, K475E, K515E.
Identifiers: ClinVar variation 2578620 (VCV002578620.25), dbSNP rs759527943, ClinGen allele CA5646829.

ClinVar aggregate classification (germline): Uncertain significance (1 of 4 stars; one submission).

Allele frequency attached by ClinVar (database versions not stated): gnomAD 0.00001; gnomAD exomes 0.00001; TOPMed 0.00001; ExAC 0.00002.
gnomAD v4.1: 10 of 1,613,944 alleles (0.00062%); highest among the groups gnomAD compares: Admixed American, 0.0033%; no homozygotes.

Submission:

CeGaT Center for Human Genetics Tuebingen
Classification: Uncertain significance. Last evaluated: 2023-07-01. Review status: criteria provided, single submitter. Criteria: CeGaT Center For Human Genetics Tuebingen Variant Classification Criteria Version 2. Collection method: clinical testing. Allele origin: germline. Affected: yes. Observed: 1 variant allele.
Comment: CWF19L1: PM2, BP4